The following is an entry in ClinVar:

ClinVar aggregate classification (germline): Uncertain significance (1 of 4 stars; one submission).

Allele frequency attached by ClinVar (database versions not stated): gnomAD exomes below 0.00001.
gnomAD v4.1: 2 of 1,614,124 alleles (0.00012%); highest among the groups gnomAD compares: Non-Finnish European, 0.000085%; no homozygotes.

Submission:

CeGaT Center for Human Genetics Tuebingen
Classification: Uncertain significance. Last evaluated: 2022-09-01. Review status: criteria provided, single submitter. Criteria: CeGaT Center For Human Genetics Tuebingen Variant Classification Criteria Version 2. Collection method: clinical testing. Allele origin: germline. Affected: yes. Observed: 1 variant allele.
Comment: TCF20: PM2, BP4

NM_001378418.1(TCF20):c.1723C>T (p.Pro575Ser)

Gene: TCF20 (transcription factor 20; minus strand). Cytogenetic location: 22q13.2.
Variant type: single nucleotide variant.
Coding change: c.1723C>T on transcript NM_001378418.1 (MANE Select); coding-DNA position 1723, C replaced by T.
Protein change: p.Pro575Ser; replaces proline 575 with serine.
Molecular consequence: missense variant.
Genome position (GRCh38, 1-based): chr22:42,213,583, G>A on the plus strand (C>T on the coding strand, the complement: TCF20 is on the minus strand). VCF-style: chr22-42213583-G-A. GRCh37 (hg19) VCF-style: chr22-42609589-G-A.
Other names: c.1723C>T, p.Pro575Ser (NM_005650.4, NM_181492.3); short protein forms P575S.
Identifiers: ClinVar variation 2653253 (VCV002653253.24), dbSNP rs1415224605, ClinGen allele CA411790202.
Genomic context (GRCh38, chr22:42,213,583, plus strand): 5'-CGTCGGATGACAATGGCATGTCCTTAGCGCCTGGTGAGGTGGCCTCTTCTCTTGCGGCAG[G>A]ACTAGCATTGAGTCTGGGGGGTTCATTCTGAGCACCTTGTGCCGGTGAGGAGCCAGCTTT-3'
Protein context (NP_001365347.1, residues 565-585): QNEPPRLNAS[Pro575Ser]AAREEATSPG